The following is an entry in ClinVar:

ClinVar aggregate classification (germline): Uncertain significance (1 of 4 stars; one submission).

Conditions:
Amyotrophic lateral sclerosis type 22 (FTDALS9). Also called: FRONTOTEMPORAL DEMENTIA AND/OR AMYOTROPHIC LATERAL SCLEROSIS 9; Amyotrophic lateral sclerosis 22 with or without frontotemporal dementia. Identifiers: Orphanet 803, MedGen C4015512, MONDO:0014531, OMIM 616208.

gnomAD v4.1: 12 of 1,614,212 alleles (0.00074%); highest among the groups gnomAD compares: East Asian, 0.0022%; no homozygotes.

Submission:

Neuberg Centre For Genomic Medicine, NCGM
Classification: Uncertain significance for Amyotrophic lateral sclerosis type 22. Last evaluated: 2023-05-20. Review status: criteria provided, single submitter. Criteria: ACMG Guidelines, 2015. Collection method: clinical testing. Allele origin: germline. Inheritance: Autosomal dominant inheritance. Affected: yes.
Comment: The missense c.1015C>T (p.Arg339Cys) variant in the TUBA4A gene has not been reported previously as a pathogenic variant nor as a benign variant, to our knowledge. This variant is reported with the allele frequency (0.0003%) in the gnomAD Exomes. The amino acid Arginine at position 339 is changed to a Cystine changing protein sequence and it might alter its composition and physico-chemical properties. Computational evidence (Polyphen - Benign, SIFT - Damaging and MutationTaster - Disease causing) predicts conflicting evidence on protein structure and function for this variant. The amino acid change p.Arg339Cys in TUBA4A is predicted as conserved by GERP++ and PhyloP across 100 vertebrates. For these reasons, this variant has been classified as Uncertain Significance.

NM_006000.3(TUBA4A):c.1015C>T (p.Arg339Cys)

Gene: TUBA4A (tubulin alpha 4a; minus strand). Cytogenetic location: 2q35.
Variant type: single nucleotide variant.
Coding change: c.1015C>T on transcript NM_006000.3 (MANE Select); coding-DNA position 1015, C replaced by T.
Protein change: p.Arg339Cys; replaces arginine 339 with cysteine.
Molecular consequence: missense variant.
Genome position (GRCh38, 1-based): chr2:219,250,684, G>A on the plus strand (C>T on the coding strand, the complement: TUBA4A is on the minus strand). VCF-style: chr2-219250684-G-A. GRCh37 (hg19) VCF-style: chr2-220115406-G-A.
Other names: c.970C>T, p.Arg324Cys (NM_001278552.2); short protein forms R324C, R339C.
Identifiers: ClinVar variation 3341483 (VCV003341483.1).